The following is an entry in ClinVar:

ClinVar aggregate classification (germline): Likely benign. Review status: criteria provided, multiple submitters, no conflicts (2 of 4 stars). 3 submissions from 3 submitters: Likely benign (3). Last evaluated 2024-03-06.

Conditions:
Familial thoracic aortic aneurysm and aortic dissection (TAAD). Also called: Thoracic aortic aneurysms and dissections. Identifiers: Orphanet 91387, MedGen C4707243, MONDO:0019625.

Submissions (3):

Ambry Genetics
Classification: Likely benign for Familial thoracic aortic aneurysm and aortic dissection. Last evaluated: 2024-03-06. Review status: criteria provided, single submitter. Criteria: Ambry Variant Classification Scheme 2023. Collection method: clinical testing. Allele origin: germline.

CeGaT Center for Human Genetics Tuebingen
Classification: Likely benign. Last evaluated: 2022-11-01. Review status: criteria provided, single submitter. Criteria: CeGaT Center For Human Genetics Tuebingen Variant Classification Criteria Version 2. Collection method: clinical testing. Allele origin: germline. Affected: yes. Observed: 1 variant allele.
Comment: FBN1: PM2:Supporting, BP4, BP7

Color Diagnostics, LLC DBA Color Health
Classification: Likely benign for Familial thoracic aortic aneurysm and aortic dissection. Last evaluated: 2020-04-27. Review status: criteria provided, single submitter. Criteria: ACMG Guidelines, 2015. Collection method: clinical testing. Allele origin: germline.

NM_000138.5(FBN1):c.7299C>T (p.Tyr2433=)

Gene: FBN1 (fibrillin 1; minus strand). Cytogenetic location: 15q21.1.
Variant type: single nucleotide variant.
Coding change: c.7299C>T on transcript NM_000138.5 (MANE Select); coding-DNA position 7299, C replaced by T.
Protein change: p.Tyr2433=; no amino-acid change (tyrosine 2433 retained).
Molecular consequence: synonymous variant.
Genome position (GRCh38, 1-based): chr15:48,425,770, G>A on the plus strand (C>T on the coding strand, the complement: FBN1 is on the minus strand). VCF-style: chr15-48425770-G-A. GRCh37 (hg19) VCF-style: chr15-48717967-G-A.
Identifiers: ClinVar variation 926839 (VCV000926839.27), dbSNP rs1566892872, ClinGen allele CA490017017.